The following is an entry in ClinVar:

ClinVar aggregate classification (germline): Uncertain significance. Review status: criteria provided, multiple submitters, no conflicts (2 of 4 stars). 3 submissions from 3 submitters: Uncertain significance (3). Last evaluated 2025-12-29.

Conditions:
Hereditary cancer-predisposing syndrome. Also called: Neoplastic Syndromes, Hereditary; Hereditary neoplastic syndrome; Tumor predisposition; Hereditary Cancer Syndrome. Identifiers: Orphanet 140162, MedGen C0027672, MeSH D009386, MONDO:0015356.
Ataxia-telangiectasia syndrome (AT). Also called: Ataxia telangiectasia (A-T); Cerebello-oculocutaneous telangiectasia; Immunodeficiency with ataxia telangiectasia; LOUIS-BAR SYNDROME; AT, COMPLEMENTATION GROUP C; ATAXIA-TELANGIECTASIA, FRESNO VARIANT. Identifiers: Orphanet 100, MedGen C0004135, MONDO:0008840, OMIM 208900.

Submissions (3):

Center for Genomic Medicine, Rigshospitalet, Copenhagen University Hospital
Classification: Uncertain significance. Last evaluated: 2025-12-29. Review status: criteria provided, single submitter. Criteria: ACMG Guidelines, 2015. Collection method: clinical testing. Allele origin: germline.

Labcorp Genetics (formerly Invitae), Labcorp
Classification: Uncertain significance for Ataxia-telangiectasia syndrome. Last evaluated: 2020-02-26. Review status: criteria provided, single submitter. Criteria: Invitae Variant Classification Sherloc (09022015). Collection method: clinical testing. Allele origin: germline.
Comment: Algorithms developed to predict the effect of missense changes on protein structure and function (SIFT, PolyPhen-2, Align-GVGD) all suggest that this variant is likely to be disruptive, but these predictions have not been confirmed by published functional studies and their clinical significance is uncertain. This sequence change replaces alanine with valine at codon 2524 of the ATM protein (p.Ala2524Val). The alanine residue is highly conserved and there is a small physicochemical difference between alanine and valine. This variant is not present in population databases (ExAC no frequency). This variant has not been reported in the literature in individuals with ATM-related conditions. ClinVar contains an entry for this variant (Variation ID: 233822). This variant disrupts the p.Ala2524 amino acid residue in ATM. Other variant(s) that disrupt this residue have been determined to be pathogenic (PMID: 11897822, 10980530, 22071889, 17166884, 22071889). This suggests that this residue is clinically significant, and that variants that disrupt this residue are likely to be disease-causing. In summary, the available evidence is currently insufficient to determine the role of this variant in disease. Therefore, it has been classified as a Variant of Uncertain Significance.

Ambry Genetics
Classification: Uncertain significance for Hereditary cancer-predisposing syndrome. Last evaluated: 2015-09-13. Review status: criteria provided, single submitter. Criteria: Ambry Variant Classification Scheme 2023. Collection method: clinical testing. Allele origin: germline.
Comment: The p.A2524V variant (also known as c.7571C>T), located in coding exon 50 of the ATM gene, results from a C to T substitution at nucleotide position 7571. The alanine at codon 2524 is replaced by valine, an amino acid with similar properties. While this exact alteration has not been reported in the literature, an alteration at the same amino acid position, p.A2524P (c.7570G>C), has been seen in ataxia telangiectasia (AT) and breast cancer families (Allinen, M et al. J Med Genet. 2002 Mar;39(3):192-6), and has also been shown to lead to a stable protein that is defective in kinase activity (Pylkas, K et al. Carcinogenesis. 2007 May;28(5):1040-5), as well as a significantly decreased response to ionizing radiation that is similar to that of a control AT cell line (Jacquemin, V et al. Eur J Hum Genet. 2012 Mar;20(3):305-12). The p.A2524V variant was not reported in population based cohorts in the following databases: Database of Single Nucleotide Polymorphisms (dbSNP), NHLBI Exome Sequencing Project (ESP), and 1000 Genomes Project. In the ESP, this variant was not observed in 6499 samples (12998 alleles) with coverage at this position. To date, this alteration has been detected with an allele frequency of approximately 0.002% (greater than 66000 alleles tested) in our clinical cohort. This amino acid position is highly conserved in available vertebrate species. In addition, this alteration is predicted to be deleterious by in silico analysis. Since supporting evidence is limited at this time, the clinical significance of p.A2524V remains unclear.

Literature cited by the submitters: PubMed 11897822 (cited by Labcorp Genetics (formerly Invitae), Labcorp); PubMed 10980530 (cited by Labcorp Genetics (formerly Invitae), Labcorp); PubMed 22071889 (cited by Labcorp Genetics (formerly Invitae), Labcorp); PubMed 17166884 (cited by Labcorp Genetics (formerly Invitae), Labcorp).

NM_000051.4(ATM):c.7571C>T (p.Ala2524Val)

Genes: ATM (ATM serine/threonine kinase; plus strand), C11orf65 (chromosome 11 open reading frame 65; minus strand). Cytogenetic location: 11q22.3.
Variant type: single nucleotide variant.
Coding change: c.7571C>T on transcript NM_000051.4 (MANE Select); coding-DNA position 7571, C replaced by T.
Protein change: p.Ala2524Val; replaces alanine 2524 with valine.
Molecular consequence: missense variant. On other transcripts: non-coding transcript variant (1), intron variant (2).
Genome position (GRCh38, 1-based): chr11:108,331,499, C>T. VCF-style: chr11-108331499-C-T. GRCh37 (hg19) VCF-style: chr11-108202226-C-T.
Other names: c.7571C>T, p.Ala2524Val (NM_001351834.2); c.641-22428G>A (NM_001330368.2); c.*38+3721G>A (NM_001351110.2); short protein forms A2524V.
Identifiers: ClinVar variation 233822 (VCV000233822.15), dbSNP rs876660663, ClinGen allele CA10579261.